The following is an entry in ClinVar:

ClinVar aggregate classification (germline): Uncertain significance (1 of 4 stars; one submission).

Allele frequency attached by ClinVar (database versions not stated): gnomAD exomes below 0.00001; TOPMed below 0.00001; ExAC 0.00001; gnomAD 0.00001.
gnomAD v4.1: 2 of 1,614,088 alleles (0.00012%); highest among the groups gnomAD compares: Admixed American, 0.0017%; no homozygotes.

Submission:

Ambry Genetics
Classification: Uncertain significance. Last evaluated: 2024-08-19. Review status: criteria provided, single submitter. Criteria: Ambry Variant Classification Scheme 2023. Collection method: clinical testing. Allele origin: germline.
Comment: The p.K2158E variant (also known as c.6472A>G), located in coding exon 12 of the ALPK2 gene, results from an A to G substitution at nucleotide position 6472. The lysine at codon 2158 is replaced by glutamic acid, an amino acid with similar properties. This amino acid position is conserved. In addition, this alteration is predicted to be tolerated by in silico analysis. Since supporting evidence is limited at this time, the clinical significance of this alteration remains unclear.

NM_052947.4(ALPK2):c.6472A>G (p.Lys2158Glu)

Gene: ALPK2 (alpha kinase 2; minus strand). Cytogenetic location: 18q21.31.
Variant type: single nucleotide variant.
Coding change: c.6472A>G on transcript NM_052947.4 (MANE Select); coding-DNA position 6472, A replaced by G.
Protein change: p.Lys2158Glu; replaces lysine 2158 with glutamic acid.
Molecular consequence: missense variant.
Genome position (GRCh38, 1-based): chr18:58,481,864, T>C on the plus strand (A>G on the coding strand, the complement: ALPK2 is on the minus strand). VCF-style: chr18-58481864-T-C. GRCh37 (hg19) VCF-style: chr18-56149096-T-C.
Other names: short protein forms K2158E.
Identifiers: ClinVar variation 1753718 (VCV001753718.3), dbSNP rs773170762, ClinGen allele CA8976143.